The following is an entry in ClinVar:

ClinVar aggregate classification (germline): Uncertain significance. Review status: criteria provided, multiple submitters, no conflicts (2 of 4 stars). 2 submissions from 2 submitters: Uncertain significance (2). Last evaluated 2025-10-22.

Conditions:
Acromesomelic dysplasia 1, Maroteaux type (AMD1). Also called: ACROMESOMELIC DYSPLASIA 1; ST. HELENA DYSPLASIA. Identifiers: Orphanet 40, MedGen C1864356, MONDO:0011275, OMIM 602875.
Tall stature-scoliosis-macrodactyly of the great toes syndrome. Also called: Epiphyseal chondrodysplasia, miura type. Identifiers: Orphanet 329191, MedGen C4014690, MONDO:0014401, OMIM 615923.

Allele frequency attached by ClinVar (database versions not stated): gnomAD exomes below 0.00001; TOPMed below 0.00001.
gnomAD v4.1: 2 of 1,613,632 alleles (0.00012%); highest among the groups gnomAD compares: Non-Finnish European, 0.000085%; no homozygotes.

Submissions (2):

Labcorp Genetics (formerly Invitae), Labcorp
Classification: Uncertain significance for Tall stature-scoliosis-macrodactyly of the great toes syndrome; Acromesomelic dysplasia 1, Maroteaux type. Last evaluated: 2025-10-22. Review status: criteria provided, single submitter. Criteria: Invitae Variant Classification Sherloc (09022015). Collection method: clinical testing. Allele origin: germline.
Comment: This sequence change replaces tyrosine, which is neutral and polar, with histidine, which is basic and polar, at codon 373 of the NPR2 protein (p.Tyr373His). This variant is not present in population databases (gnomAD no frequency). This variant has not been reported in the literature in individuals affected with NPR2-related conditions. ClinVar contains an entry for this variant (Variation ID: 2431764). Invitae Evidence Modeling of protein sequence and biophysical properties (such as structural, functional, and spatial information, amino acid conservation, physicochemical variation, residue mobility, and thermodynamic stability) indicates that this missense variant is not expected to disrupt NPR2 protein function with a negative predictive value of 80%. In summary, the available evidence is currently insufficient to determine the role of this variant in disease. Therefore, it has been classified as a Variant of Uncertain Significance.

Laboratorio de Genetica e Diagnostico Molecular, Hospital Israelita Albert Einstein
Classification: Uncertain significance for Acromesomelic dysplasia 1, Maroteaux type. Last evaluated: 2022-09-23. Review status: criteria provided, single submitter. Criteria: ACMG Guidelines, 2015. Collection method: clinical testing. Allele origin: germline. Affected: yes.
Comment: ACMG classification criteria: PM2 moderated

NM_003995.4(NPR2):c.1117T>C (p.Tyr373His)

Gene: NPR2 (natriuretic peptide receptor 2; plus strand). Cytogenetic location: 9p13.3.
Variant type: single nucleotide variant.
Coding change: c.1117T>C on transcript NM_003995.4 (MANE Select); coding-DNA position 1117, T replaced by C.
Protein change: p.Tyr373His; replaces tyrosine 373 with histidine.
Molecular consequence: missense variant.
Genome position (GRCh38, 1-based): chr9:35,800,151, T>C. VCF-style: chr9-35800151-T-C. GRCh37 (hg19) VCF-style: chr9-35800148-T-C.
Other names: c.1117T>C, p.Tyr373His (NM_001378923.1); short protein forms Y373H.
Identifiers: ClinVar variation 2431764 (VCV002431764.3), dbSNP rs1828094971, ClinGen allele CA373370342.
Genomic context (GRCh38, chr9:35,800,151, plus strand): 5'-CAGGAAGGAGGCACCCGGGAGGATGGACTTCGAATTGTGGAAAAGATGCAGGGACGAAGA[T>C]ATCACGGTAATGAAGAGGGGTCAATGGGGGTCTGAGGGCTGATGTCAGGAATAGAGTGGG-3'
Protein context (NP_003986.2, residues 363-383): RIVEKMQGRR[Tyr373His]HGVTGLVVMD